The following is an entry in ClinVar:

ClinVar aggregate classification (germline): Benign/Likely benign. Review status: criteria provided, multiple submitters, no conflicts (2 of 4 stars). 3 submissions from 3 submitters: Benign (2); Likely benign (1). Last evaluated 2026-01-11.

Conditions:
Multiple epiphyseal dysplasia type 5 (EDM5). Also called: MATN3-Related Multiple Epiphyseal Dysplasia; Microepiphyseal dysplasia, bilateral hereditary. Identifiers: Orphanet 93311, MedGen C1846843, MONDO:0011765, OMIM 607078.
Connective tissue disorder. Also called: Connective tissue disease. Identifiers: MedGen C0009782, MONDO:0003900.

Allele frequency attached by ClinVar (database versions not stated): gnomAD 0.00007 and 0.00050; ESP Exome Variant Server 0.00008; TOPMed 0.00016; gnomAD exomes 0.00077 and 0.00152; ExAC 0.00163; 1000 Genomes Project 30x 0.00219; 1000 Genomes Project 0.00220.
gnomAD v4.1: 1,192 of 1,613,872 alleles (0.074%); highest among the groups gnomAD compares: South Asian, 1.2%; 13 homozygotes.

Submissions (3):

Labcorp Genetics (formerly Invitae), Labcorp
Classification: Benign. Last evaluated: 2026-01-11. Review status: criteria provided, single submitter. Criteria: Invitae Variant Classification Sherloc (09022015). Collection method: clinical testing. Allele origin: germline.

Genome Diagnostics Laboratory, The Hospital for Sick Children
Classification: Likely benign for Connective tissue disorder. Last evaluated: 2021-12-20. Review status: criteria provided, single submitter. Criteria: ACMG Guidelines, 2015. Collection method: clinical testing. Allele origin: germline.

Illumina Laboratory Services, Illumina
Classification: Benign for Multiple epiphyseal dysplasia type 5. Last evaluated: 2018-01-13. Review status: criteria provided, single submitter. Criteria: ICSL Variant Classification Criteria 13 December 2019. Collection method: clinical testing. Allele origin: germline.
Comment: This variant was observed in the ICSL laboratory as part of a predisposition screen in an ostensibly healthy population. It had not been previously curated by ICSL or reported in the Human Gene Mutation Database (HGMD: prior to June 1st, 2018), and was therefore a candidate for classification through an automated scoring system. Utilizing variant allele frequency, disease prevalence and penetrance estimates, and inheritance mode, an automated score was calculated to assess if this variant is too frequent to cause the disease. Based on the score and internal cut-off values, a variant classified as benign is not then subjected to further curation. The score for this variant resulted in a classification of benign for this disease.

NM_002381.5(MATN3):c.354C>T (p.Ala118=)

Gene: MATN3 (matrilin 3; minus strand). Cytogenetic location: 2p24.1.
Variant type: single nucleotide variant.
Coding change: c.354C>T on transcript NM_002381.5 (MANE Select); coding-DNA position 354, C replaced by T.
Protein change: p.Ala118=; no amino-acid change (alanine 118 retained).
Molecular consequence: synonymous variant.
Genome position (GRCh38, 1-based): chr2:20,006,180, G>A on the plus strand (C>T on the coding strand, the complement: MATN3 is on the minus strand). VCF-style: chr2-20006180-G-A. GRCh37 (hg19) VCF-style: chr2-20205941-G-A.
Identifiers: ClinVar variation 333425 (VCV000333425.16), dbSNP rs192462913, ClinGen allele CA1543982.